The following is an entry in ClinVar:

NM_022089.4(ATP13A2):c.2439C>T (p.Thr813=)

Gene: ATP13A2 (ATPase cation transporting 13A2; minus strand). Cytogenetic location: 1p36.13.
Variant type: single nucleotide variant.
Coding change: c.2439C>T on transcript NM_022089.4 (MANE Select); coding-DNA position 2439, C replaced by T.
Protein change: p.Thr813=; no amino-acid change (threonine 813 retained).
Molecular consequence: synonymous variant. On other transcripts: intron variant (1).
Genome position (GRCh38, 1-based): chr1:16,989,977, G>A on the plus strand (C>T on the coding strand, the complement: ATP13A2 is on the minus strand). VCF-style: chr1-16989977-G-A. GRCh37 (hg19) VCF-style: chr1-17316472-G-A.
Other names: c.2424C>T, p.Thr808= (NM_001141973.3); c.2397+150C>T (NM_001141974.3).
Identifiers: ClinVar variation 875296 (VCV000875296.12), dbSNP rs368244226, ClinGen allele CA636825.

ClinVar aggregate classification (germline): Conflicting classifications of pathogenicity. Review status: criteria provided, conflicting classifications (1 of 4 stars). 3 submissions from 3 submitters: Uncertain significance (1); Likely benign (2). Last evaluated 2024-04-04.

Conditions:
Kufor-Rakeb syndrome (KRS). Also called: PARKINSON DISEASE 9, AUTOSOMAL RECESSIVE, JUVENILE-ONSET. Identifiers: Orphanet 306674, Orphanet 314632, MedGen C1847640, MONDO:0011706, OMIM 606693.
Autosomal recessive spastic paraplegia type 78. Identifiers: Orphanet 513436, MedGen C5567893, MONDO:0014975, OMIM 617225.

Allele frequency attached by ClinVar (database versions not stated): ExAC 0.00001; gnomAD exomes 0.00002 and 0.00004; gnomAD 0.00003; TOPMed 0.00005; ESP Exome Variant Server 0.00008.
gnomAD v4.1: 57 of 1,609,690 alleles (0.0035%); highest among the groups gnomAD compares: Middle Eastern, 0.082%; no homozygotes.

Submissions (3):

Labcorp Genetics (formerly Invitae), Labcorp
Classification: Likely benign for Kufor-Rakeb syndrome; Autosomal recessive spastic paraplegia type 78. Last evaluated: 2024-04-04. Review status: criteria provided, single submitter. Criteria: Invitae Variant Classification Sherloc (09022015). Collection method: clinical testing. Allele origin: germline.

Blueprint Genetics
Classification: Likely benign. Last evaluated: 2023-12-26. Review status: criteria provided, single submitter. Criteria: ACMG Guidelines, 2015. Collection method: clinical testing. Allele origin: germline.

Illumina Laboratory Services, Illumina
Classification: Uncertain significance for Kufor-Rakeb syndrome. Last evaluated: 2017-04-27. Review status: criteria provided, single submitter. Criteria: ICSL Variant Classification Criteria 13 December 2019. Collection method: clinical testing. Allele origin: germline.
Comment: This variant was observed as part of a predisposition screen in an ostensibly healthy population. A literature search was performed for the gene, cDNA change, and amino acid change (where applicable). Publications were found based on this search. However, the evidence from the literature, in combination with allele frequency data from public databases where available, was not sufficient to rule this variant in or out of causing disease. Therefore, this variant is classified as a variant of unknown significance.

Literature cited by the submitters: PubMed 22743658 (cited by Illumina Laboratory Services, Illumina).